The following is an entry in ClinVar:

NM_138413.4(HOGA1):c.41T>A (p.Leu14Gln)

Gene: HOGA1 (4-hydroxy-2-oxoglutarate aldolase 1; plus strand). Cytogenetic location: 10q24.2.
Variant type: single nucleotide variant.
Coding change: c.41T>A on transcript NM_138413.4 (MANE Select); coding-DNA position 41, T replaced by A.
Protein change: p.Leu14Gln; replaces leucine 14 with glutamine.
Molecular consequence: missense variant.
Genome position (GRCh38, 1-based): chr10:97,584,744, T>A. VCF-style: chr10-97584744-T-A. GRCh37 (hg19) VCF-style: chr10-99344501-T-A.
Other names: c.41T>A, p.Leu14Gln (NM_001134670.2); short protein forms L14Q.
Identifiers: ClinVar variation 2664392 (VCV002664392.1), dbSNP rs771766335, ClinGen allele CA5633812.

ClinVar aggregate classification (germline): Uncertain significance (1 of 4 stars; one submission).

Conditions:
Primary hyperoxaluria type 3. Also called: PH III. Identifiers: Orphanet 416, Orphanet 93600, MedGen C3150878, MONDO:0013327, OMIM 613616. Disease mechanism: loss of function.

Allele frequency attached by ClinVar (database versions not stated): gnomAD exomes below 0.00001; ExAC 0.00001; gnomAD 0.00001; TOPMed 0.00002.

Submission:

Clinical Biochemistry Laboratory, Health Services Laboratory
Classification: Uncertain significance for Primary hyperoxaluria type 3. Last evaluated: 2023-10-27. Review status: criteria provided, single submitter. Criteria: ACMG Guidelines, 2015. Collection method: curation. Allele origin: germline. Affected: yes.
Comment: ACMG:PM1 PM3 PP3 BP1

Literature cited by the submitters: PubMed 33865885.